The following is an entry in ClinVar:

NM_001127208.3(TET2):c.1373C>T (p.Pro458Leu)

Genes: TET2 (tet methylcytosine dioxygenase 2; plus strand), TET2-AS1 (TET2 antisense RNA 1; minus strand). Cytogenetic location: 4q24.
Variant type: single nucleotide variant.
Coding change: c.1373C>T on transcript NM_001127208.3 (MANE Select); coding-DNA position 1373, C replaced by T.
Protein change: p.Pro458Leu; replaces proline 458 with leucine.
Molecular consequence: missense variant.
Genome position (GRCh38, 1-based): chr4:105,235,315, C>T. VCF-style: chr4-105235315-C-T. GRCh37 (hg19) VCF-style: chr4-106156472-C-T.
Other names: c.1373C>T, p.Pro458Leu (NM_017628.4); short protein forms P458L.
Identifiers: ClinVar variation 4995966 (VCV004995966.1).
Genomic context (GRCh38, chr4:105,235,315, plus strand): 5'-CCAACCAAAGTAACACAACACTTTTAAGGGAAGTGAAAATAGAGGGTAAACCTGAGGCAC[C>T]ACCTTCCCAGAGTCCTAATCCATCTACACATGTATGCAGCCCTTCTCCGATGCTTTCTGA-3'
Protein context (NP_001120680.1, residues 448-468): EVKIEGKPEA[Pro458Leu]PSQSPNPSTH

ClinVar aggregate classification (germline): Uncertain significance (1 of 4 stars; one submission).

Conditions:
TET2-related disorder. Also called: TET2-related condition.

Submission:

PreventionGenetics, part of Exact Sciences
Classification: Uncertain significance for TET2-related condition. Last evaluated: 2026-07-19. Review status: criteria provided, single submitter. Criteria: ACMG Guidelines, 2015. Collection method: clinical testing. Allele origin: germline.
Comment: The TET2 c.1373C>T variant is predicted to result in the amino acid substitution p.Pro458Leu. To our knowledge, this variant has not been reported in the literature or in a large population database (gnomAD), indicating this variant is rare. At this time, the clinical significance of this variant is uncertain due to the absence of conclusive functional and genetic evidence.